The following is an entry in ClinVar:

NM_000095.3(COMP):c.640G>A (p.Val214Met)

Gene: COMP (cartilage oligomeric matrix protein; minus strand). Cytogenetic location: 19p13.11.
Variant type: single nucleotide variant.
Coding change: c.640G>A on transcript NM_000095.3 (MANE Select); coding-DNA position 640, G replaced by A.
Protein change: p.Val214Met; replaces valine 214 with methionine.
Molecular consequence: missense variant.
Genome position (GRCh38, 1-based): chr19:18,788,714, C>T on the plus strand (G>A on the coding strand, the complement: COMP is on the minus strand). VCF-style: chr19-18788714-C-T. GRCh37 (hg19) VCF-style: chr19-18899523-C-T.
Other names: short protein forms V214M.
Identifiers: ClinVar variation 3676818 (VCV003676818.2).
Genomic context (GRCh38, chr19:18,788,714, plus strand): 5'-GCGAGCCGTCGGGGCAGAAGCGCTGTGCGCGCCGCTGGCAGCCGGACGCCTGGTCGCCCA[C>T]GAAGCCGGGCTGGCACGGGCCGCACTGGAAGGAGCCCTGCGCCGGAGCCGCCGGAGGTCA-3'
Protein context (NP_000086.2, residues 204-224): FQCGPCQPGF[Val214Met]GDQASGCQRR

ClinVar aggregate classification (germline): Uncertain significance (1 of 4 stars; one submission).

Submission:

Labcorp Genetics (formerly Invitae), Labcorp
Classification: Uncertain significance. Last evaluated: 2024-10-30. Review status: criteria provided, single submitter. Criteria: Invitae Variant Classification Sherloc (09022015). Collection method: clinical testing. Allele origin: germline.
Comment: This sequence change replaces valine, which is neutral and non-polar, with methionine, which is neutral and non-polar, at codon 214 of the COMP protein (p.Val214Met). This variant is not present in population databases (gnomAD no frequency). This variant has not been reported in the literature in individuals affected with COMP-related conditions. Invitae Evidence Modeling of protein sequence and biophysical properties (such as structural, functional, and spatial information, amino acid conservation, physicochemical variation, residue mobility, and thermodynamic stability) has been performed for this missense variant. However, the output from this modeling did not meet the statistical confidence thresholds required to predict the impact of this variant on COMP protein function. In summary, the available evidence is currently insufficient to determine the role of this variant in disease. Therefore, it has been classified as a Variant of Uncertain Significance.